The following is an entry in ClinVar:

ClinVar aggregate classification (germline): Uncertain significance (1 of 4 stars; one submission).

Allele frequency attached by ClinVar (database versions not stated): ExAC 0.00001; gnomAD 0.00001; TOPMed 0.00002; ESP Exome Variant Server 0.00008.
gnomAD v4.1: 30 of 1,611,774 alleles (0.0019%); highest among the groups gnomAD compares: Admixed American, 0.0067%; no homozygotes.

Submission:

GeneDx
Classification: Uncertain significance. Last evaluated: 2022-07-22. Review status: criteria provided, single submitter. Criteria: GeneDx Variant Classification Process June 2021. Collection method: clinical testing. Allele origin: germline. Affected: yes.
Comment: In silico analysis supports that this missense variant does not alter protein structure/function; Has not been previously published as pathogenic or benign to our knowledge

NM_001161.5(NUDT2):c.307G>A (p.Val103Met)

Gene: NUDT2 (nudix hydrolase 2; plus strand). Cytogenetic location: 9p13.3.
Variant type: single nucleotide variant.
Coding change: c.307G>A on transcript NM_001161.5 (MANE Select); coding-DNA position 307, G replaced by A.
Protein change: p.Val103Met; replaces valine 103 with methionine.
Molecular consequence: missense variant.
Genome position (GRCh38, 1-based): chr9:34,343,303, G>A. VCF-style: chr9-34343303-G-A. GRCh37 (hg19) VCF-style: chr9-34343301-G-A.
Other names: c.307G>A, p.Val103Met (NM_001244390.2, NM_147172.3, NM_147173.3); short protein forms V103M.
Identifiers: ClinVar variation 2136190 (VCV002136190.1), dbSNP rs139349384, ClinGen allele CA5032716.
Genomic context (GRCh38, chr9:34,343,303, plus strand): 5'-GTGGCCAGGAACAAGCCTAAAACAGTCATTTACTGGCTGGCGGAGGTGAAGGACTATGAC[G>A]TGGAGATCCGCCTCTCCCATGAGCACCAAGCCTACCGCTGGCTGGGGCTGGAGGAGGCCT-3'
Protein context (NP_001152.1, residues 93-113): YWLAEVKDYD[Val103Met]EIRLSHEHQA